The following is an entry in ClinVar:

NM_024513.4(FYCO1):c.1537C>T (p.Arg513Trp)

Gene: FYCO1 (FYVE and coiled-coil domain autophagy adaptor 1; minus strand). Cytogenetic location: 3p21.31.
Variant type: single nucleotide variant.
Coding change: c.1537C>T on transcript NM_024513.4 (MANE Select); coding-DNA position 1537, C replaced by T.
Protein change: p.Arg513Trp; replaces arginine 513 with tryptophan.
Molecular consequence: missense variant.
Genome position (GRCh38, 1-based): chr3:45,967,797, G>A on the plus strand (C>T on the coding strand, the complement: FYCO1 is on the minus strand). VCF-style: chr3-45967797-G-A. GRCh37 (hg19) VCF-style: chr3-46009289-G-A.
Other names: c.1537C>T (NM_024513.2); short protein forms R513W.
Identifiers: ClinVar variation 650207 (VCV000650207.6), dbSNP rs141828619, ClinGen allele CA2353235.
Genomic context (GRCh38, chr3:45,967,797, plus strand): 5'-CCAGGTCACTCACATGTTGGCTCACCTGTGCCAGCTGGGTCTCCAGGAACTGCAGCTGCC[G>A]GGTCAGAGACCTGACCTCCTGCTCCAGCAGCTCCTTCTCCTCCTGTTGCTGTTTTTTCTC-3'
Protein context (NP_078789.2, residues 503-523): LLEQEVRSLT[Arg513Trp]QLQFLETQLA

ClinVar aggregate classification (germline): Uncertain significance. Review status: criteria provided, multiple submitters, no conflicts (2 of 4 stars). 2 submissions from 2 submitters: Uncertain significance (2). Last evaluated 2024-01-23.

Conditions:
Cataract 18 (CATC2). Also called: CATARACT 18, AUTOSOMAL RECESSIVE. Identifiers: Orphanet 91492, Orphanet 98991, Orphanet 98992, Orphanet 98995, MedGen C1864908, MONDO:0012395, OMIM 610019.
Inborn genetic diseases. Identifiers: MedGen C0950123, MeSH D030342.

Allele frequency attached by ClinVar (database versions not stated): gnomAD exomes 0.00004 and 0.00012; ExAC 0.00011; ESP Exome Variant Server 0.00023; gnomAD 0.00027 and 0.00029; TOPMed 0.00030.
gnomAD v4.1: 96 of 1,613,758 alleles (0.0059%); highest among the groups gnomAD compares: African/African-American, 0.072%; no homozygotes.

Submissions (2):

Ambry Genetics
Classification: Uncertain significance for Inborn genetic diseases. Last evaluated: 2024-01-23. Review status: criteria provided, single submitter. Criteria: Ambry Variant Classification Scheme 2023. Collection method: clinical testing. Allele origin: germline.

Labcorp Genetics (formerly Invitae), Labcorp
Classification: Uncertain significance for Cataract 18. Last evaluated: 2018-10-18. Review status: criteria provided, single submitter. Criteria: Invitae Variant Classification Sherloc (09022015). Collection method: clinical testing. Allele origin: germline.
Comment: This variant is present in population databases (rs141828619, ExAC 0.1%). In summary, the available evidence is currently insufficient to determine the role of this variant in disease. Therefore, it has been classified as a Variant of Uncertain Significance. Algorithms developed to predict the effect of missense changes on protein structure and function output the following: SIFT: "Tolerated"; PolyPhen-2: "Benign"; Align-GVGD: "Class C0". The tryptophan amino acid residue is found in multiple mammalian species, suggesting that this missense change does not adversely affect protein function. These predictions have not been confirmed by published functional studies and their clinical significance is uncertain. This variant has not been reported in the literature in individuals with FYCO1-related disease. This sequence change replaces arginine with tryptophan at codon 513 of the FYCO1 protein (p.Arg513Trp). The arginine residue is weakly conserved and there is a moderate physicochemical difference between arginine and tryptophan.